The following is an entry in ClinVar:

NM_004341.5(CAD):c.6499C>T (p.Leu2167Phe)

Genes: CAD (carbamoyl-phosphate synthetase 2, aspartate transcarbamylase, and dihydroorotase; plus strand), LOC126806172 (CDK7 strongly-dependent group 2 enhancer GRCh37_chr2:27465505-27466704; plus strand). Cytogenetic location: 2p23.3.
Variant type: single nucleotide variant.
Coding change: c.6499C>T on transcript NM_004341.5 (MANE Select); coding-DNA position 6499, C replaced by T.
Protein change: p.Leu2167Phe; replaces leucine 2167 with phenylalanine.
Molecular consequence: missense variant.
Genome position (GRCh38, 1-based): chr2:27,243,216, C>T. VCF-style: chr2-27243216-C-T. GRCh37 (hg19) VCF-style: chr2-27466084-C-T.
Other names: c.6310C>T, p.Leu2104Phe (NM_001306079.2); short protein forms L2104F, L2167F.
Identifiers: ClinVar variation 1720429 (VCV001720429.3), dbSNP rs971801877, ClinGen allele CA44521954.

ClinVar aggregate classification (germline): Uncertain significance (1 of 4 stars; one submission).

Allele frequency attached by ClinVar (database versions not stated): gnomAD exomes below 0.00001; gnomAD 0.00001; TOPMed 0.00001.
gnomAD v4.1: 2 of 1,613,878 alleles (0.00012%); highest among the groups gnomAD compares: African/African-American, 0.0027%; no homozygotes.

Submission:

Labcorp Genetics (formerly Invitae), Labcorp
Classification: Uncertain significance. Last evaluated: 2022-07-20. Review status: criteria provided, single submitter. Criteria: Invitae Variant Classification Sherloc (09022015). Collection method: clinical testing. Allele origin: germline.
Comment: This sequence change replaces leucine, which is neutral and non-polar, with phenylalanine, which is neutral and non-polar, at codon 2167 of the CAD protein (p.Leu2167Phe). This variant is not present in population databases (gnomAD no frequency). This variant has not been reported in the literature in individuals affected with CAD-related conditions. Algorithms developed to predict the effect of missense changes on protein structure and function are either unavailable or do not agree on the potential impact of this missense change (SIFT: "Deleterious"; PolyPhen-2: "Possibly Damaging"; Align-GVGD: "Class C0"). In summary, the available evidence is currently insufficient to determine the role of this variant in disease. Therefore, it has been classified as a Variant of Uncertain Significance.